The following is an entry in ClinVar:

NM_000238.4(KCNH2):c.2013C>T (p.Ala671=)

Gene: KCNH2 (potassium voltage-gated channel subfamily H member 2; minus strand). Cytogenetic location: 7q36.1.
Variant type: single nucleotide variant.
Coding change: c.2013C>T on transcript NM_000238.4 (MANE Select); coding-DNA position 2013, C replaced by T.
Protein change: p.Ala671=; no amino-acid change (alanine 671 retained).
Molecular consequence: synonymous variant. On other transcripts: non-coding transcript variant (2).
Genome position (GRCh38, 1-based): chr7:150,951,053, G>A on the plus strand (C>T on the coding strand, the complement: KCNH2 is on the minus strand). VCF-style: chr7-150951053-G-A. GRCh37 (hg19) VCF-style: chr7-150648141-G-A.
Other names: c.993C>T, p.Ala331= (NM_001204798.2, NM_172057.3); c.1725C>T, p.Ala575= (NM_001406753.1, NM_001406756.1); c.1836C>T, p.Ala612= (NM_001406755.1); c.1713C>T, p.Ala571= (NM_001406757.1); c.2013C>T, p.Ala671= (NM_172056.3).
Identifiers: ClinVar variation 1649037 (VCV001649037.8), dbSNP rs2116955668, ClinGen allele CA458645435.

ClinVar aggregate classification (germline): Conflicting classifications of pathogenicity. Review status: criteria provided, conflicting classifications (1 of 4 stars). 3 submissions from 3 submitters: Uncertain significance (2); Likely benign (1). Last evaluated 2025-12-23.

Conditions:
Cardiac arrhythmia. Also called: Arrhythmia; Cardiac rhythm disease. Identifiers: MedGen C0003811, MONDO:0007263, HP:0011675.
Long QT syndrome (LQTS). Identifiers: MedGen C0023976, MeSH D008133, MONDO:0002442. Disease mechanism: loss of function. Inheritance: Various modes of inheritance.

Submissions (3):

Labcorp Genetics (formerly Invitae), Labcorp
Classification: Likely benign for Long QT syndrome. Last evaluated: 2025-12-23. Review status: criteria provided, single submitter. Criteria: Invitae Variant Classification Sherloc (09022015). Collection method: clinical testing. Allele origin: germline.

All of Us Research Program, National Institutes of Health
Classification: Uncertain significance for Long QT syndrome. Last evaluated: 2023-06-08. Review status: criteria provided, single submitter. Criteria: ACMG Guidelines, 2015. Collection method: clinical testing. Allele origin: germline. Inheritance: Autosomal dominant inheritance. Observed: 1 variant allele, 1 heterozygote.
Comment: This variant is located in the KCNH2 protein. To our knowledge, functional studies have not been reported for this variant. This variant has not been reported in individuals affected with KCNH2-related disorders in the literature. This variant has not been identified in the general population by the Genome Aggregation Database (gnomAD). The available evidence is insufficient to determine the role of this variant in disease conclusively. Therefore, this variant is classified as a Variant of Uncertain Significance.

This study involves interpretation of variants in research participants for the purpose of population health screening. Participant phenotype was not available at the time of variant classification. Additional details can be found in publication PMID: 35346344, PMCID: PMC8962531

Color Diagnostics, LLC DBA Color Health
Classification: Uncertain significance for Cardiac arrhythmia. Last evaluated: 2022-11-06. Review status: criteria provided, single submitter. Criteria: ACMG Guidelines, 2015. Collection method: clinical testing. Allele origin: germline.
Comment: This variant is located in the KCNH2 protein. To our knowledge, functional studies have not been reported for this variant. This variant has not been reported in individuals affected with KCNH2-related disorders in the literature. This variant has not been identified in the general population by the Genome Aggregation Database (gnomAD). The available evidence is insufficient to determine the role of this variant in disease conclusively. Therefore, this variant is classified as a Variant of Uncertain Significance.